The following is an entry in ClinVar:

ClinVar aggregate classification (germline): Uncertain significance (1 of 4 stars; one submission).

Conditions:
Capillary malformation-arteriovenous malformation syndrome. Also called: Capillary malformation-arteriovenous malformation. Identifiers: Orphanet 137667, MedGen C1842180, MONDO:0012016.

gnomAD v4.1: 22 of 1,608,798 alleles (0.0014%); highest among the groups gnomAD compares: Non-Finnish European, 0.0019%; no homozygotes.

Submission:

Labcorp Genetics (formerly Invitae), Labcorp
Classification: Uncertain significance for Capillary malformation-arteriovenous malformation syndrome. Last evaluated: 2024-06-19. Review status: criteria provided, single submitter. Criteria: Invitae Variant Classification Sherloc (09022015). Collection method: clinical testing. Allele origin: germline.
Comment: This sequence change replaces proline, which is neutral and non-polar, with alanine, which is neutral and non-polar, at codon 649 of the RASA1 protein (p.Pro649Ala). This variant is present in population databases (rs759715233, gnomAD 0.002%). This variant has not been reported in the literature in individuals affected with RASA1-related conditions. An algorithm developed to predict the effect of missense changes on protein structure and function (PolyPhen-2) suggests that this variant is likely to be tolerated. In summary, the available evidence is currently insufficient to determine the role of this variant in disease. Therefore, it has been classified as a Variant of Uncertain Significance.

NM_002890.3(RASA1):c.1945C>G (p.Pro649Ala)

Genes: CCNH (cyclin H; minus strand), RASA1 (RAS p21 protein activator 1; plus strand). Cytogenetic location: 5q14.3.
Variant type: single nucleotide variant.
Coding change: c.1945C>G on transcript NM_002890.3 (MANE Select); coding-DNA position 1945, C replaced by G.
Protein change: p.Pro649Ala; replaces proline 649 with alanine.
Molecular consequence: missense variant. On other transcripts: intron variant (1).
Genome position (GRCh38, 1-based): chr5:87,374,850, C>G. VCF-style: chr5-87374850-C-G. GRCh37 (hg19) VCF-style: chr5-86670667-C-G.
Other names: c.933+20194G>C (NM_001364075.2); c.1414C>G, p.Pro472Ala (NM_022650.3); short protein forms P472A, P649A.
Identifiers: ClinVar variation 3707329 (VCV003707329.2).
Genomic context (GRCh38, chr5:87,374,850, plus strand): 5'-AGTTTGATGCCAAAACATTTTGTTAATTCTTTTTCTCCTTGCTCCTTTAGTGATCTTCCT[C>G]CTGACATCAATAGATTTGAAATAACTCTTAGTAATAAAACAAAGAAAAGCAAAGATCCTG-3'
Protein context (NP_002881.1, residues 639-659): SEEFVFDDLP[Pro649Ala]DINRFEITLS